The following is an entry in ClinVar:

NM_000016.6(ACADM):c.397ATT[2] (p.Ile135del)

Gene: ACADM (acyl-CoA dehydrogenase medium chain; plus strand). Cytogenetic location: 1p31.1.
Variant type: Microsatellite.
Coding change: c.397ATT[2] on transcript NM_000016.6 (MANE Select); two copies in a row of the 3-base unit ATT starting at c.397; the reference has three copies in a row; one copy, 3 bases deleted; also written c.403_405del.
Protein change: p.Ile135del; deletes isoleucine 135.
Molecular consequence: inframe deletion. On other transcripts: intron variant (1).
Genome position (GRCh38, 1-based): chr1:75,734,806-75,734,808, ATT deleted; deleting any 3 consecutive bases within chr1:75,734,799-75,734,808 gives the same sequence; the position shown is the placement nearest the transcript's 3' end. VCF-style (leftmost placement, unchanged base first): chr1-75734798-CTAT-C. GRCh37 (hg19) VCF-style: chr1-76200483-CTAT-C.
Other names: c.403_405delATT (NM_000016.5); c.403_405del (NM_000016.6); c.409ATT[2], p.Ile139del (NM_001127328.3); c.289ATT[2], p.Ile99del (NM_001286042.2); c.496ATT[2], p.Ile168del (NM_001286043.2); c.-100+1877TAT[2] (NM_001286044.2); short protein forms I168del, I135del, I99del, I139del.
Identifiers: ClinVar variation 650461 (VCV000650461.10), dbSNP rs1570866192, ClinGen allele CA913077118.

ClinVar aggregate classification (germline): Conflicting classifications of pathogenicity. Review status: criteria provided, conflicting classifications (1 of 4 stars). 5 submissions from 5 submitters: Pathogenic (2); Likely pathogenic (2); Uncertain significance (1). Last evaluated 2026-05-26.

Conditions:
Medium-chain acyl-coenzyme A dehydrogenase deficiency (ACADMD). Also called: MCAD Deficiency; ACADM DEFICIENCY; CARNITINE DEFICIENCY SECONDARY TO MEDIUM-CHAIN ACYL-CoA DEHYDROGENASE DEFICIENCY; MCADD; MCADH DEFICIENCY; Medium chain acyl-CoA dehydrogenase deficiency. Identifiers: Orphanet 42, MedGen C0220710, MONDO:0008721, OMIM 201450.

Submissions (5):

Myriad Genetics, Inc.
Classification: Uncertain significance for Medium-chain acyl-coenzyme A dehydrogenase deficiency. Last evaluated: 2026-05-26. Review status: criteria provided, single submitter. Criteria: Myriad Autosomal Dominant, Autosomal Recessive and X-Linked Classification Criteria (2023). Collection method: clinical testing. Allele origin: unknown.
Comment: NM_000016.4(ACADM):c.403_405delATT(I135del) is an in-frame deletion classified as a variant of uncertain significance in the context of medium-chain acyl-CoA dehydrogenase deficiency. I135del has been observed in cases with relevant disease (PMID: 25940036, 23028790). Relevant functional assessments of this variant are not available in the literature. I135del has not been observed in referenced population frequency databases. In summary, there is insufficient evidence to classify NM_000016.4(ACADM):c.403_405delATT(I135del) as pathogenic or benign. Please note: this variant was assessed in the context of healthy population screening.

Natera, Inc.
Classification: Likely pathogenic for Medium Chain Acyl-CoA Dehydrogenase Deficiency. Last evaluated: 2025-11-26. Review status: criteria provided, single submitter. Criteria: Natera Variant Classification Schema (03/2026). Collection method: clinical testing. Allele origin: germline.
Comment: The c.403_405delATT variant in ACADM is an in-frame deletion predicted to remove isoleucine at amino acid 135 while preserving the reading frame. This variant is rare in the general population with a frequency below the threshold expected for the associated phenotype(s). This variant has been observed in one or more individuals affected with the associated recessive disease, as either homozygous or compound heterozygous with a second variant (PMID: 23028790, 25940036). This variant has been identified in one or more affected individual with a phenotype highly consistent with the associated gene (PMID: 23028790). This variant results in a change to the protein length while preserving reading frame, which may disrupt normal protein structure or function. Computational prediction algorithms indicate this variant is likely to affect gene or protein function. Given the available evidence, this variant is classified as Likely Pathogenic.

Baylor Genetics
Classification: Pathogenic for Medium-chain acyl-coenzyme A dehydrogenase deficiency. Last evaluated: 2023-03-16. Review status: criteria provided, single submitter. Criteria: ACMG Guidelines, 2015. Collection method: clinical testing. Allele origin: unknown.

Labcorp Genetics (formerly Invitae), Labcorp
Classification: Pathogenic for Medium-chain acyl-coenzyme A dehydrogenase deficiency. Last evaluated: 2022-06-16. Review status: criteria provided, single submitter. Criteria: Invitae Variant Classification Sherloc (09022015). Collection method: clinical testing. Allele origin: germline.
Comment: For these reasons, this variant has been classified as Pathogenic. Experimental studies and prediction algorithms are not available or were not evaluated, and the functional significance of this variant is currently unknown. ClinVar contains an entry for this variant (Variation ID: 650461). This variant is also known as c.397–399delATT. This variant has been observed in individual(s) with medium-chain acyl-CoA dehydrogenase (MCAD) deficiency (PMID: 23028790, 25940036; Invitae). In at least one individual the data is consistent with being in trans (on the opposite chromosome) from a pathogenic variant. This variant is not present in population databases (gnomAD no frequency). This variant, c.403_405del, results in the deletion of 1 amino acid(s) of the ACADM protein (p.Ile135del), but otherwise preserves the integrity of the reading frame.

Fulgent Genetics
Classification: Likely pathogenic for Medium-chain acyl-coenzyme A dehydrogenase deficiency. Last evaluated: 2022-04-13. Review status: criteria provided, single submitter. Criteria: ACMG Guidelines, 2015. Collection method: clinical testing. Allele origin: unknown.

Literature cited by the submitters: PubMed 23028790 (cited by 3 submitters); PubMed 25940036 (cited by 3 submitters).